The following is an entry in ClinVar:

ClinVar aggregate classification (germline): Uncertain significance (1 of 4 stars; one submission).

Conditions:
Charcot-Marie-Tooth disease axonal type 2C (HMSN2C). Also called: CHARCOT-MARIE-TOOTH DISEASE, AXONAL, AUTOSOMAL DOMINANT, TYPE 2C; Charcot-Marie-Tooth Neuropathy Type 2C; Charcot-Marie-Tooth Disease Type 2, TRPV4-Related (CMT2C). Identifiers: Orphanet 99937, MedGen C1853710, MONDO:0011633, OMIM 606071.

Submission:

Labcorp Genetics (formerly Invitae), Labcorp
Classification: Uncertain significance for Charcot-Marie-Tooth disease axonal type 2C. Last evaluated: 2021-07-21. Review status: criteria provided, single submitter. Criteria: Invitae Variant Classification Sherloc (09022015). Collection method: clinical testing. Allele origin: germline.
Comment: In summary, the available evidence is currently insufficient to determine the role of this variant in disease. Therefore, it has been classified as a Variant of Uncertain Significance. Algorithms developed to predict the effect of missense changes on protein structure and function (SIFT, PolyPhen-2, Align-GVGD) all suggest that this variant is likely to be tolerated, but these predictions have not been confirmed by published functional studies and their clinical significance is uncertain. This variant has not been reported in the literature in individuals with TRPV4-related disease. This variant is not present in population databases (ExAC no frequency). This sequence change replaces isoleucine with valine at codon 484 of the TRPV4 protein (p.Ile484Val). The isoleucine residue is moderately conserved and there is a small physicochemical difference between isoleucine and valine.

NM_021625.5(TRPV4):c.1450A>G (p.Ile484Val)

Gene: TRPV4 (transient receptor potential cation channel subfamily V member 4; minus strand). Cytogenetic location: 12q24.11.
Variant type: single nucleotide variant.
Coding change: c.1450A>G on transcript NM_021625.5 (MANE Select); coding-DNA position 1450, A replaced by G.
Protein change: p.Ile484Val; replaces isoleucine 484 with valine.
Molecular consequence: missense variant.
Genome position (GRCh38, 1-based): chr12:109,794,370, T>C on the plus strand (A>G on the coding strand, the complement: TRPV4 is on the minus strand). VCF-style: chr12-109794370-T-C. GRCh37 (hg19) VCF-style: chr12-110232175-T-C.
Other names: c.1309A>G, p.Ile437Val (NM_001177428.2); c.1348A>G, p.Ile450Val (NM_001177431.2); c.1129A>G, p.Ile377Val (NM_001177433.2); c.1270A>G, p.Ile424Val (NM_147204.3); short protein forms I484V, I377V, I424V, I437V, I450V.
Identifiers: ClinVar variation 536868 (VCV000536868.7), dbSNP rs1555206591, ClinGen allele CA386652891.